The following is an entry in ClinVar:

NM_004863.4(SPTLC2):c.1274G>A (p.Cys425Tyr)

Gene: SPTLC2 (serine palmitoyltransferase long chain base subunit 2; minus strand). Cytogenetic location: 14q24.3.
Variant type: single nucleotide variant.
Coding change: c.1274G>A on transcript NM_004863.4 (MANE Select); coding-DNA position 1274, G replaced by A.
Protein change: p.Cys425Tyr; replaces cysteine 425 with tyrosine.
Molecular consequence: missense variant.
Genome position (GRCh38, 1-based): chr14:77,552,125, C>T on the plus strand (G>A on the coding strand, the complement: SPTLC2 is on the minus strand). VCF-style: chr14-77552125-C-T. GRCh37 (hg19) VCF-style: chr14-78018468-C-T.
Other names: short protein forms C425Y.
Identifiers: ClinVar variation 3023139 (VCV003023139.3), dbSNP rs2503481690, ClinGen allele CA390707042.

ClinVar aggregate classification (germline): Uncertain significance (1 of 4 stars; one submission).

Conditions:
Neuropathy, hereditary sensory and autonomic, type 1C. Also called: HSAN IC; HSN IC. Identifiers: Orphanet 36386, MedGen C3150896, MONDO:0013337, OMIM 613640.

Allele frequency attached by ClinVar (database versions not stated): gnomAD exomes below 0.00001.
gnomAD v4.1: 3 of 1,614,104 alleles (0.00019%); highest among the groups gnomAD compares: East Asian, 0.0022%; no homozygotes.

Submission:

Labcorp Genetics (formerly Invitae), Labcorp
Classification: Uncertain significance for Neuropathy, hereditary sensory and autonomic, type 1C. Last evaluated: 2023-08-28. Review status: criteria provided, single submitter. Criteria: Invitae Variant Classification Sherloc (09022015). Collection method: clinical testing. Allele origin: germline.
Comment: This variant is not present in population databases (gnomAD no frequency). This sequence change replaces cysteine, which is neutral and slightly polar, with tyrosine, which is neutral and polar, at codon 425 of the SPTLC2 protein (p.Cys425Tyr). This variant has not been reported in the literature in individuals affected with SPTLC2-related conditions. In summary, the available evidence is currently insufficient to determine the role of this variant in disease. Therefore, it has been classified as a Variant of Uncertain Significance. Advanced modeling of protein sequence and biophysical properties (such as structural, functional, and spatial information, amino acid conservation, physicochemical variation, residue mobility, and thermodynamic stability) performed at Invitae indicates that this missense variant is not expected to disrupt SPTLC2 protein function.